The following is an entry in ClinVar:

NM_002016.2(FLG):c.4704C>T (p.Ala1568=)

Genes: CCDST (cervical cancer associated DHX9 suppressive transcript; plus strand), FLG (filaggrin; minus strand). Cytogenetic location: 1q21.3.
Variant type: single nucleotide variant.
Coding change: c.4704C>T on transcript NM_002016.2 (MANE Select); coding-DNA position 4704, C replaced by T.
Protein change: p.Ala1568=; no amino-acid change (alanine 1568 retained).
Molecular consequence: synonymous variant.
Genome position (GRCh38, 1-based): chr1:152,310,182, G>A on the plus strand (C>T on the coding strand, the complement: FLG is on the minus strand). VCF-style: chr1-152310182-G-A. GRCh37 (hg19) VCF-style: chr1-152282658-G-A.
Identifiers: ClinVar variation 2639287 (VCV002639287.24), dbSNP rs766533034, ClinGen allele CA1106101.

ClinVar aggregate classification (germline): Likely benign (1 of 4 stars; one submission).

Allele frequency attached by ClinVar (database versions not stated): ExAC 0.00002; gnomAD 0.00003.
gnomAD v4.1: 16 of 1,613,728 alleles (0.00099%); highest among the groups gnomAD compares: South Asian, 0.012%; no homozygotes.

Submission:

CeGaT Center for Human Genetics Tuebingen
Classification: Likely benign. Last evaluated: 2023-08-01. Review status: criteria provided, single submitter. Criteria: CeGaT Center For Human Genetics Tuebingen Variant Classification Criteria Version 2. Collection method: clinical testing. Allele origin: germline. Affected: yes. Observed: 1 variant allele.
Comment: FLG: BP4, BP7